The following is an entry in ClinVar:

NM_000038.6(APC):c.3913G>A (p.Ala1305Thr)

Gene: APC (APC regulator of Wnt signaling pathway; plus strand). Cytogenetic location: 5q22.2.
Variant type: single nucleotide variant.
Coding change: c.3913G>A on transcript NM_000038.6 (MANE Select); coding-DNA position 3913, G replaced by A.
Protein change: p.Ala1305Thr; replaces alanine 1305 with threonine.
Molecular consequence: missense variant.
Genome position (GRCh38, 1-based): chr5:112,839,507, G>A. VCF-style: chr5-112839507-G-A. GRCh37 (hg19) VCF-style: chr5-112175204-G-A.
Other names: c.3913G>A, p.Ala1305Thr (NM_001127510.3, NM_001354895.2); c.3859G>A, p.Ala1287Thr (NM_001127511.3); c.3967G>A, p.Ala1323Thr (NM_001354896.2); c.3943G>A, p.Ala1315Thr (NM_001354897.2); c.3838G>A, p.Ala1280Thr (NM_001354898.2); c.3829G>A, p.Ala1277Thr (NM_001354899.2); c.3790G>A, p.Ala1264Thr (NM_001354900.2); c.3736G>A, p.Ala1246Thr (NM_001354901.2); and 5 more; short protein forms A1022T, A1179T, A1214T, A1277T, A1287T, A1323T, A1264T, A1280T.
Identifiers: ClinVar variation 835819 (VCV000835819.15), dbSNP rs1765552602, ClinGen allele CA16029917.

ClinVar aggregate classification (germline): Uncertain significance. Review status: criteria provided, multiple submitters, no conflicts (2 of 4 stars). 3 submissions from 3 submitters: Uncertain significance (3). Last evaluated 2024-12-13.

Conditions:
Hereditary cancer-predisposing syndrome. Also called: Hereditary neoplastic syndrome; Neoplastic Syndromes, Hereditary; Tumor predisposition; Hereditary Cancer Syndrome. Identifiers: Orphanet 140162, MedGen C0027672, MeSH D009386, MONDO:0015356.
Familial adenomatous polyposis 1 (FAP1). Also called: POLYPOSIS, ADENOMATOUS INTESTINAL; FAMILIAL ADENOMATOUS POLYPOSIS 1, ATTENUATED. Identifiers: MedGen C2713442, MONDO:0021056, OMIM 175100. Disease mechanism: loss of function.

Submissions (3):

Ambry Genetics
Classification: Uncertain significance for Hereditary cancer-predisposing syndrome. Last evaluated: 2024-12-13. Review status: criteria provided, single submitter. Criteria: Ambry Variant Classification Scheme 2023. Collection method: clinical testing. Allele origin: germline.
Comment: The p.A1305T variant (also known as c.3913G>A), located in coding exon 15 of the APC gene, results from a G to A substitution at nucleotide position 3913. The alanine at codon 1305 is replaced by threonine, an amino acid with similar properties. This amino acid position is conserved. In addition, in silico predictors for this gene do not accurately predict pathogenicity. Based on the available evidence, the clinical significance of this variant remains unclear.

Color Diagnostics, LLC DBA Color Health
Classification: Uncertain significance for Hereditary cancer-predisposing syndrome. Last evaluated: 2024-03-06. Review status: criteria provided, single submitter. Criteria: ACMG Guidelines, 2015. Collection method: clinical testing. Allele origin: germline.
Comment: This missense variant replaces alanine with threonine at codon 1305 of the APC protein. Computational prediction suggests that this variant may not impact protein structure and function (internally defined REVEL score threshold <= 0.5, PMID: 27666373). To our knowledge, functional studies have not been reported for this variant. This variant has not been reported in individuals affected with hereditary cancer in the literature. This variant has not been identified in the general population by the Genome Aggregation Database (gnomAD). The available evidence is insufficient to determine the role of this variant in disease conclusively. Therefore, this variant is classified as a Variant of Uncertain Significance.

Labcorp Genetics (formerly Invitae), Labcorp
Classification: Uncertain significance for Familial adenomatous polyposis 1. Last evaluated: 2023-10-25. Review status: criteria provided, single submitter. Criteria: Invitae Variant Classification Sherloc (09022015). Collection method: clinical testing. Allele origin: germline.
Comment: This sequence change replaces alanine, which is neutral and non-polar, with threonine, which is neutral and polar, at codon 1305 of the APC protein (p.Ala1305Thr). This variant is not present in population databases (gnomAD no frequency). This variant has not been reported in the literature in individuals affected with APC-related conditions. ClinVar contains an entry for this variant (Variation ID: 835819). Advanced modeling of protein sequence and biophysical properties (such as structural, functional, and spatial information, amino acid conservation, physicochemical variation, residue mobility, and thermodynamic stability) performed at Invitae indicates that this missense variant is not expected to disrupt APC protein function with a negative predictive value of 95%. In summary, the available evidence is currently insufficient to determine the role of this variant in disease. Therefore, it has been classified as a Variant of Uncertain Significance.